The following is an entry in ClinVar:

NM_001130965.3(SUN1):c.989A>G (p.Gln330Arg)

Gene: SUN1 (Sad1 and UNC84 domain containing 1; plus strand). Cytogenetic location: 7p22.3.
Variant type: single nucleotide variant.
Coding change: c.989A>G on transcript NM_001130965.3 (MANE Select); coding-DNA position 989, A replaced by G.
Protein change: p.Gln330Arg; replaces glutamine 330 with arginine.
Molecular consequence: missense variant. On other transcripts: non-coding transcript variant (3).
Genome position (GRCh38, 1-based): chr7:852,888, A>G. VCF-style: chr7-852888-A-G. GRCh37 (hg19) VCF-style: chr7-892525-A-G.
Other names: c.1118A>G, p.Gln373Arg (NM_001367646.1); c.1031A>G, p.Gln344Arg (NM_001367647.1, NM_001367668.1); c.851A>G, p.Gln284Arg (NM_001367648.1); c.1034A>G, p.Gln345Arg (NM_001367649.1); c.1403A>G, p.Gln468Arg (NM_001367651.1); c.989A>G, p.Gln330Arg (NM_001367653.1, NM_001367633.1, NM_001367634.1 and 1 more transcripts); c.1232A>G, p.Gln411Arg (NM_001367655.1, NM_001367666.1); c.275A>G, p.Gln92Arg (NM_001367658.1); and 38 more; short protein forms Q177R, Q307R, Q334R, Q345R, Q390R, Q391R, Q394R, Q427R.
Identifiers: ClinVar variation 4754782 (VCV004754782.1).

ClinVar aggregate classification (germline): Uncertain significance (1 of 4 stars; one submission).

Conditions:
Emery-Dreifuss muscular dystrophy (EDMD). Also called: Scapuloperoneal syndrome, X-linked (formerly); Humeroperoneal neuromuscular disease, (formerly). Identifiers: Orphanet 261, MedGen C0410189, MONDO:0016830.

gnomAD v4.1: 4 of 1,614,010 alleles (0.00025%); highest among the groups gnomAD compares: Admixed American, 0.0033%; no homozygotes.

Submission:

Labcorp Genetics (formerly Invitae), Labcorp
Classification: Uncertain significance for Emery-Dreifuss muscular dystrophy. Last evaluated: 2025-12-02. Review status: criteria provided, single submitter. Criteria: Invitae Variant Classification Sherloc (09022015). Collection method: clinical testing. Allele origin: germline.
Comment: This sequence change replaces glutamine, which is neutral and polar, with arginine, which is basic and polar, at codon 330 of the SUN1 protein (p.Gln330Arg). This variant is not present in population databases (gnomAD no frequency). This variant has not been reported in the literature in individuals affected with SUN1-related conditions. An algorithm developed to predict the effect of missense changes on protein structure and function (PolyPhen-2) suggests that this variant is likely to be tolerated. In summary, the available evidence is currently insufficient to determine the role of this variant in disease. Therefore, it has been classified as a Variant of Uncertain Significance.